The following is an entry in ClinVar:

NM_201384.3(PLEC):c.4051_4052delinsTA (p.Ala1351Tyr)

Gene: PLEC (plectin; minus strand). Cytogenetic location: 8q24.3.
Variant type: Indel.
Coding change: c.4051_4052delinsTA on transcript NM_201384.3 (MANE Select); coding-DNA positions 4051 to 4052, GC replaced by TA.
Protein change: p.Ala1351Tyr; replaces alanine 1351 with tyrosine.
Molecular consequence: missense variant. On other transcripts: intron variant (1).
Genome position (GRCh38, 1-based): chr8:143,925,877-143,925,878, GC replaced by TA on the plus strand (GC replaced by TA on the coding strand, the reverse complement: PLEC is on the minus strand). VCF-style: chr8-143925877-GC-TA. GRCh37 (hg19) VCF-style: chr8-145000045-GC-TA.
Other names: c.4132_4133delinsTA, p.Ala1378Tyr (NM_000445.5); c.4009_4010delinsTA, p.Ala1337Tyr (NM_201378.4); c.3985_3986delinsTA, p.Ala1329Tyr (NM_201379.3); c.4462_4463delinsTA, p.Ala1488Tyr (NM_201380.4); c.3955_3956delinsTA, p.Ala1319Tyr (NM_201381.3); c.4051_4052delinsTA, p.Ala1351Tyr (NM_201382.4); c.4063_4064delinsTA, p.Ala1355Tyr (NM_201383.3); c.4125+906_4125+907delinsTA (NM_001410941.1); short protein forms A1319Y, A1329Y, A1337Y, A1351Y, A1355Y, A1378Y, A1488Y.
Identifiers: ClinVar variation 3346970 (VCV003346970.1).
Genomic context (GRCh38, chr8:143,925,877, plus strand): 5'-TTCTCCAGCGCGGCCTCCACCTCGGCCAGCCGCTCGCGCTCCTCTGCCCGCTGCTGCTCA[GC>TA]CAGCCTCTGTGGCCACAGCAGAGAGAAGAAGAGAAGCAGAGAGAGTGTGAACACGGGCAG-3'
Protein context (NP_958786.1, residues 1341-1361): LRRMEEEERL[Ala1351Tyr]EQQRAEERER

ClinVar aggregate classification (germline): Uncertain significance (0 of 4 stars; one submission).

Conditions:
PLEC-related disorder. Also called: PLEC-related condition; PLEC-related disorders.

Submission:

PreventionGenetics, part of Exact Sciences
Classification: Uncertain significance for PLEC-related condition. Last evaluated: 2024-05-07. Review status: no assertion criteria provided. Collection method: clinical testing. Allele origin: germline.
Comment: The PLEC c.4132_4133delinsTA variant is predicted to result in an in-frame deletion and insertion. To our knowledge, this variant has not been reported in the literature or in a large population database, indicating this variant is rare. At this time, the clinical significance of this variant is uncertain due to the absence of conclusive functional and genetic evidence.